The following is an entry in ClinVar:

ClinVar aggregate classification (germline): Uncertain significance. Review status: criteria provided, multiple submitters, no conflicts (2 of 4 stars). 3 submissions from 3 submitters: Uncertain significance (3). Last evaluated 2025-06-24.

Conditions:
Dilated cardiomyopathy 1JJ (CMD1JJ). Identifiers: Orphanet 154, MedGen C3808935, MONDO:0014095, OMIM 615235.
Cardiovascular phenotype. Identifiers: MedGen CN230736.

Allele frequency attached by ClinVar (database versions not stated): gnomAD 0.00001; gnomAD exomes 0.00001; TOPMed 0.00002.
gnomAD v4.1: 5 of 1,612,986 alleles (0.00031%); highest among the groups gnomAD compares: Non-Finnish European, 0.00042%; no homozygotes.

Submissions (3):

Ambry Genetics
Classification: Uncertain significance for Cardiovascular phenotype. Last evaluated: 2025-06-24. Review status: criteria provided, single submitter. Criteria: Ambry Variant Classification Scheme 2023. Collection method: clinical testing. Allele origin: germline.

Fulgent Genetics
Classification: Uncertain significance for Dilated cardiomyopathy 1JJ. Last evaluated: 2021-11-08. Review status: criteria provided, single submitter. Criteria: ACMG Guidelines, 2015. Collection method: clinical testing. Allele origin: unknown.

Labcorp Genetics (formerly Invitae), Labcorp
Classification: Uncertain significance for Dilated cardiomyopathy 1JJ. Last evaluated: 2020-03-22. Review status: criteria provided, single submitter. Criteria: Invitae Variant Classification Sherloc (09022015). Collection method: clinical testing. Allele origin: germline.
Comment: This sequence change replaces threonine with proline at codon 502 of the LAMA4 protein (p.Thr502Pro). The threonine residue is moderately conserved and there is a small physicochemical difference between threonine and proline. This variant is not present in population databases (ExAC no frequency). This variant has not been reported in the literature in individuals with LAMA4-related conditions. Algorithms developed to predict the effect of missense changes on protein structure and function are either unavailable or do not agree on the potential impact of this missense change (SIFT: "Tolerated"; PolyPhen-2: "Possibly Damaging"; Align-GVGD: "Class C0"). In summary, the available evidence is currently insufficient to determine the role of this variant in disease. Therefore, it has been classified as a Variant of Uncertain Significance.

NM_001105206.3(LAMA4):c.1525A>C (p.Thr509Pro)

Gene: LAMA4 (laminin subunit alpha 4; minus strand). Cytogenetic location: 6q21.
Variant type: single nucleotide variant.
Coding change: c.1525A>C on transcript NM_001105206.3 (MANE Select); coding-DNA position 1525, A replaced by C.
Protein change: p.Thr509Pro; replaces threonine 509 with proline.
Molecular consequence: missense variant.
Genome position (GRCh38, 1-based): chr6:112,172,637, T>G on the plus strand (A>C on the coding strand, the complement: LAMA4 is on the minus strand). VCF-style: chr6-112172637-T-G. GRCh37 (hg19) VCF-style: chr6-112493839-T-G.
Other names: c.1504A>C, p.Thr502Pro (NM_001105207.3, NM_002290.5); c.1504A>C (NM_002290.3); short protein forms T502P, T509P.
Identifiers: ClinVar variation 1010695 (VCV001010695.10), dbSNP rs951225457, ClinGen allele CA144876465.